The following is an entry in ClinVar:

ClinVar aggregate classification (germline): Uncertain significance (1 of 4 stars; one submission).

Submission:

Labcorp Genetics (formerly Invitae), Labcorp
Classification: Uncertain significance. Last evaluated: 2025-11-23. Review status: criteria provided, single submitter. Criteria: Invitae Variant Classification Sherloc (09022015). Collection method: clinical testing. Allele origin: germline.
Comment: This sequence change replaces threonine, which is neutral and polar, with serine, which is neutral and polar, at codon 79 of the TNFRSF6B protein (p.Thr79Ser). This variant is not present in population databases (gnomAD no frequency). This variant has not been reported in the literature in individuals affected with TNFRSF6B-related conditions. An algorithm developed to predict the effect of missense changes on protein structure and function (PolyPhen-2) suggests that this variant is likely to be disruptive. In summary, the available evidence is currently insufficient to determine the role of this variant in disease. Therefore, it has been classified as a Variant of Uncertain Significance.

NM_003823.4(TNFRSF6B):c.235A>T (p.Thr79Ser)

Genes: RTEL1-TNFRSF6B (RTEL1-TNFRSF6B readthrough (NMD candidate); plus strand), TNFRSF6B (TNF receptor superfamily member 6b; plus strand). Cytogenetic location: 20q13.33.
Variant type: single nucleotide variant.
Coding change: c.235A>T on transcript NM_003823.4 (MANE Select); coding-DNA position 235, A replaced by T.
Protein change: p.Thr79Ser; replaces threonine 79 with serine.
Molecular consequence: missense variant. On other transcripts: non-coding transcript variant (1).
Genome position (GRCh38, 1-based): chr20:63,697,002, A>T. VCF-style: chr20-63697002-A-T. GRCh37 (hg19) VCF-style: chr20-62328355-A-T.
Other names: short protein forms T79S.
Identifiers: ClinVar variation 4799786 (VCV004799786.1).